The following is an entry in ClinVar:

ClinVar aggregate classification (germline): Uncertain significance (1 of 4 stars; one submission).

Conditions:
Anophthalmia-microphthalmia syndrome. Also called: Anophthalmia - microphthalmia; Anophthalmia/Microphthalmia. Identifiers: Orphanet 98555, MedGen C5680330, MONDO:0020147.

gnomAD v4.1: 1 of 1,614,160 alleles (0.000062%); highest among the groups gnomAD compares: Admixed American, 0.0017%; no homozygotes.

Submission:

Labcorp Genetics (formerly Invitae), Labcorp
Classification: Uncertain significance for Anophthalmia-microphthalmia syndrome. Last evaluated: 2022-08-31. Review status: criteria provided, single submitter. Criteria: Invitae Variant Classification Sherloc (09022015). Collection method: clinical testing. Allele origin: germline.
Comment: In summary, the available evidence is currently insufficient to determine the role of this variant in disease. Therefore, it has been classified as a Variant of Uncertain Significance. Algorithms developed to predict the effect of missense changes on protein structure and function are either unavailable or do not agree on the potential impact of this missense change (SIFT: "Deleterious"; PolyPhen-2: "Benign"; Align-GVGD: "Class C15"). ClinVar contains an entry for this variant (Variation ID: 1476523). This variant has not been reported in the literature in individuals affected with OTX2-related conditions. This variant is present in population databases (no rsID available, gnomAD 0.003%). This sequence change replaces glycine, which is neutral and non-polar, with glutamic acid, which is acidic and polar, at codon 242 of the OTX2 protein (p.Gly242Glu).

NM_021728.4(OTX2):c.749G>A (p.Gly250Glu)

Gene: OTX2 (orthodenticle homeobox 2; minus strand). Cytogenetic location: 14q22.3.
Variant type: single nucleotide variant.
Coding change: c.749G>A on transcript NM_021728.4 (MANE Select); coding-DNA position 749, G replaced by A.
Protein change: p.Gly250Glu; replaces glycine 250 with glutamic acid.
Molecular consequence: missense variant. On other transcripts: non-coding transcript variant (2).
Genome position (GRCh38, 1-based): chr14:56,801,880, C>T on the plus strand (G>A on the coding strand, the complement: OTX2 is on the minus strand). VCF-style: chr14-56801880-C-T. GRCh37 (hg19) VCF-style: chr14-57268598-C-T.
Other names: c.725G>A, p.Gly242Glu (NM_001270524.2, NM_172337.3, NM_001270523.2); c.749G>A, p.Gly250Glu (NM_001270525.2); short protein forms G250E, G242E.
Identifiers: ClinVar variation 1476523 (VCV001476523.8), dbSNP rs746941491, ClinGen allele CA390051209.
Genomic context (GRCh38, chr14:56,801,880, plus strand): 5'-TGGTCCTTATAATCCAAGCAATCAGTGGTTGAGTTAAAACCCAAGCTTGAAGCTCCATAT[C>T]CCTGGGTGGAAAGAGAAGCTGGGGACTGATTGAGATGGCTGGTGACTGCATTGGTACCCA-3'
Protein context (NP_068374.1, residues 240-260): NQSPASLSTQ[Gly250Glu]YGASSLGFNS